The following is an entry in ClinVar:

NM_015355.4(SUZ12):c.2124A>G (p.Thr708=)

Gene: SUZ12 (SUZ12 polycomb repressive complex 2 subunit; plus strand). Cytogenetic location: 17q11.2.
Variant type: single nucleotide variant.
Coding change: c.2124A>G on transcript NM_015355.4 (MANE Select); coding-DNA position 2124, A replaced by G.
Protein change: p.Thr708=; no amino-acid change (threonine 708 retained).
Molecular consequence: synonymous variant.
Genome position (GRCh38, 1-based): chr17:31,998,907, A>G. VCF-style: chr17-31998907-A-G. GRCh37 (hg19) VCF-style: chr17-30325926-A-G.
Other names: c.2055A>G, p.Thr685= (NM_001321207.2).
Identifiers: ClinVar variation 3026275 (VCV003026275.22), dbSNP rs147697832, ClinGen allele CA8489886.

ClinVar aggregate classification (germline): Likely benign (1 of 4 stars; one submission).

Allele frequency attached by ClinVar (database versions not stated): gnomAD exomes 0.00004; ExAC 0.00005; gnomAD 0.00015; TOPMed 0.00027; ESP Exome Variant Server 0.00031.
gnomAD v4.1: 78 of 1,613,558 alleles (0.0048%); highest among the groups gnomAD compares: African/African-American, 0.097%; no homozygotes.

Submission:

CeGaT Center for Human Genetics Tuebingen
Classification: Likely benign. Last evaluated: 2023-12-01. Review status: criteria provided, single submitter. Criteria: CeGaT Center For Human Genetics Tuebingen Variant Classification Criteria Version 2. Collection method: clinical testing. Allele origin: germline. Affected: yes. Observed: 1 variant allele.
Comment: SUZ12: BP4, BP7